The following is an entry in ClinVar:

ClinVar aggregate classification (germline): Uncertain significance (1 of 4 stars; one submission).

Conditions:
Emery-Dreifuss muscular dystrophy 5, autosomal dominant (EDMD5). Also called: EMERY-DREIFUSS MUSCULAR DYSTROPHY 5. Identifiers: Orphanet 261, MedGen C2751805, MONDO:0013072, OMIM 612999.

Allele frequency attached by ClinVar (database versions not stated): gnomAD exomes below 0.00001; ExAC 0.00001; ESP Exome Variant Server 0.00015.
gnomAD v4.1: 8 of 1,613,860 alleles (0.0005%); highest among the groups gnomAD compares: African/African-American, 0.0027%; no homozygotes.

Submission:

Labcorp Genetics (formerly Invitae), Labcorp
Classification: Uncertain significance for Emery-Dreifuss muscular dystrophy 5, autosomal dominant. Last evaluated: 2021-01-28. Review status: criteria provided, single submitter. Criteria: Invitae Variant Classification Sherloc (09022015). Collection method: clinical testing. Allele origin: germline.
Comment: Algorithms developed to predict the effect of missense changes on protein structure and function are either unavailable or do not agree on the potential impact of this missense change (SIFT: "Tolerated"; PolyPhen-2: "Probably Damaging"; Align-GVGD: "Class C0"). This sequence change replaces histidine with tyrosine at codon 5052 of the SYNE2 protein (p.His5052Tyr). The histidine residue is moderately conserved and there is a moderate physicochemical difference between histidine and tyrosine. The frequency data for this variant in the population databases is considered unreliable, as metrics indicate poor data quality at this position in the ExAC database. This variant has not been reported in the literature in individuals with SYNE2-related conditions. In summary, the available evidence is currently insufficient to determine the role of this variant in disease. Therefore, it has been classified as a Variant of Uncertain Significance.

NM_182914.3(SYNE2):c.15154C>T (p.His5052Tyr)

Gene: SYNE2 (spectrin repeat containing nuclear envelope protein 2; plus strand). Cytogenetic location: 14q23.2.
Variant type: single nucleotide variant.
Coding change: c.15154C>T on transcript NM_182914.3 (MANE Select); coding-DNA position 15154, C replaced by T.
Protein change: p.His5052Tyr; replaces histidine 5052 with tyrosine.
Molecular consequence: missense variant.
Genome position (GRCh38, 1-based): chr14:64,141,518, C>T. VCF-style: chr14-64141518-C-T. GRCh37 (hg19) VCF-style: chr14-64608236-C-T.
Other names: c.15154C>T, p.His5052Tyr (NM_015180.6); short protein forms H5052Y.
Identifiers: ClinVar variation 1516737 (VCV001516737.8), dbSNP rs142758563, ClinGen allele CA7222983.